The following is an entry in ClinVar:

ClinVar aggregate classification (germline): Uncertain significance. Review status: criteria provided, multiple submitters, no conflicts (2 of 4 stars). 3 submissions from 3 submitters: Uncertain significance (3). Last evaluated 2025-03-18.

Conditions:
Renal cell carcinoma. Identifiers: Orphanet 217071, MedGen C0007134, MeSH D002292, MONDO:0005086, HP:0005584.
Hereditary cancer-predisposing syndrome. Also called: Tumor predisposition; Hereditary neoplastic syndrome; Neoplastic Syndromes, Hereditary; Hereditary Cancer Syndrome. Identifiers: Orphanet 140162, MedGen C0027672, MeSH D009386, MONDO:0015356.

Submissions (3):

Labcorp Genetics (formerly Invitae), Labcorp
Classification: Uncertain significance for Renal cell carcinoma. Last evaluated: 2025-03-18. Review status: criteria provided, single submitter. Criteria: Invitae Variant Classification Sherloc (09022015). Collection method: clinical testing. Allele origin: germline.
Comment: This sequence change replaces glycine, which is neutral and non-polar, with serine, which is neutral and polar, at codon 871 of the MET protein (p.Gly871Ser). This variant is not present in population databases (gnomAD no frequency). This variant has not been reported in the literature in individuals affected with MET-related conditions. ClinVar contains an entry for this variant (Variation ID: 951177). Invitae Evidence Modeling of protein sequence and biophysical properties (such as structural, functional, and spatial information, amino acid conservation, physicochemical variation, residue mobility, and thermodynamic stability) indicates that this missense variant is not expected to disrupt MET protein function with a negative predictive value of 80%. In summary, the available evidence is currently insufficient to determine the role of this variant in disease. Therefore, it has been classified as a Variant of Uncertain Significance.

Ambry Genetics
Classification: Uncertain significance for Hereditary cancer-predisposing syndrome. Last evaluated: 2025-02-04. Review status: criteria provided, single submitter. Criteria: Ambry Variant Classification Scheme 2023. Collection method: clinical testing. Allele origin: germline.
Comment: The p.G871S variant (also known as c.2611G>A), located in coding exon 10 of the MET gene, results from a G to A substitution at nucleotide position 2611. The glycine at codon 871 is replaced by serine, an amino acid with similar properties. This amino acid position is conserved. In addition, this alteration is predicted to be tolerated by in silico analysis. Since supporting evidence is limited at this time, the clinical significance of this alteration remains unclear.

Quest Diagnostics Nichols Institute San Juan Capistrano
Classification: Uncertain significance. Last evaluated: 2024-06-19. Review status: criteria provided, single submitter. Criteria: Quest Diagnostics criteria. Collection method: clinical testing. Allele origin: unknown.

NM_000245.4(MET):c.2557G>A (p.Gly853Ser)

Gene: MET (MET proto-oncogene, receptor tyrosine kinase; plus strand). Cytogenetic location: 7q31.2.
Variant type: single nucleotide variant.
Coding change: c.2557G>A on transcript NM_000245.4 (MANE Select); coding-DNA position 2557, G replaced by A.
Protein change: p.Gly853Ser; replaces glycine 853 with serine.
Molecular consequence: missense variant.
Genome position (GRCh38, 1-based): chr7:116,763,242, G>A. VCF-style: chr7-116763242-G-A. GRCh37 (hg19) VCF-style: chr7-116403296-G-A.
Other names: c.2611G>A, p.Gly871Ser (NM_001127500.3); c.2557G>A, p.Gly853Ser (NM_001324401.3); c.1267G>A, p.Gly423Ser (NM_001324402.2); c.2611G>A (NM_001127500.2); short protein forms G853S, G871S, G423S.
Identifiers: ClinVar variation 951177 (VCV000951177.14), dbSNP rs45575240, ClinGen allele CA368983636.